The following is an entry in ClinVar:

ClinVar aggregate classification (germline): Likely pathogenic (1 of 4 stars; one submission).

Conditions:
Inborn genetic diseases. Identifiers: MedGen C0950123, MeSH D030342.

Submission:

Ambry Genetics
Classification: Likely pathogenic for Inborn genetic diseases. Last evaluated: 2025-07-15. Review status: criteria provided, single submitter. Criteria: Ambry Variant Classification Scheme 2023. Collection method: clinical testing. Allele origin: germline.
Comment: The c.1718A>G (p.H573R) alteration is located in exon 10 (coding exon 8) of the CTCF gene. This alteration results from an A to G substitution at nucleotide position 1718, causing the histidine (H) at amino acid position 573 to be replaced by an arginine (R). This variant was not reported in population-based cohorts in the Genome Aggregation Database (gnomAD). This amino acid position is highly conserved in available vertebrate species. This missense alteration is located in a region that has a low rate of benign missense variation (Lek, 2016; Firth, 2009). This alteration is predicted to be deleterious by in silico analysis. Based on the available evidence, this alteration is classified as likely pathogenic.

NM_006565.4(CTCF):c.1718A>G (p.His573Arg)

Gene: CTCF (CCCTC-binding factor; plus strand). Cytogenetic location: 16q22.1.
Variant type: single nucleotide variant.
Coding change: c.1718A>G on transcript NM_006565.4 (MANE Select); coding-DNA position 1718, A replaced by G.
Protein change: p.His573Arg; replaces histidine 573 with arginine.
Molecular consequence: missense variant.
Genome position (GRCh38, 1-based): chr16:67,629,414, A>G. VCF-style: chr16-67629414-A-G. GRCh37 (hg19) VCF-style: chr16-67663317-A-G.
Other names: c.734A>G, p.His245Arg (NM_001191022.2); c.1718A>G, p.His573Arg (NM_001363916.2, NM_001438968.1, NM_001438969.1); short protein forms H245R, H573R.
Identifiers: ClinVar variation 4235518 (VCV004235518.1).
Genomic context (GRCh38, chr16:67,629,414, plus strand): 5'-AGCTTTTTTAGTGGTGTGAAAGAGGATTTTGTTCTTTTTGTTAGAATACCATGGCAAGAC[A>G]TGCTGATAATTGTGCTGGCCCAGATGGCGTAGAGGGGGAAAATGGAGGAGAAACGAAGAA-3'
Protein context (NP_006556.1, residues 563-583): TFTRRNTMAR[His573Arg]ADNCAGPDGV